The following is an entry in ClinVar:

ClinVar aggregate classification (germline): Uncertain significance (1 of 4 stars; one submission).

Conditions:
Charcot-Marie-Tooth disease type 1C. Also called: CMT, SLOW NERVE CONDUCTION TYPE C; CHARCOT-MARIE-TOOTH NEUROPATHY, TYPE 1C; NEUROPATHY, HEREDITARY MOTOR AND SENSORY, TYPE IC; CHARCOT-MARIE-TOOTH DISEASE, DEMYELINATING, TYPE 1C; HMSN IC; Charcot-Marie-Tooth disease, type IC. Identifiers: Orphanet 101083, MedGen C0270913, MONDO:0010995, OMIM 601098.

Allele frequency attached by ClinVar (database versions not stated): TOPMed below 0.00001.

Submission:

Labcorp Genetics (formerly Invitae), Labcorp
Classification: Uncertain significance for Charcot-Marie-Tooth disease type 1C. Last evaluated: 2023-01-15. Review status: criteria provided, single submitter. Criteria: Invitae Variant Classification Sherloc (09022015). Collection method: clinical testing. Allele origin: germline.
Comment: In summary, the available evidence is currently insufficient to determine the role of this variant in disease. Therefore, it has been classified as a Variant of Uncertain Significance. Algorithms developed to predict the effect of missense changes on protein structure and function (SIFT, PolyPhen-2, Align-GVGD) all suggest that this variant is likely to be tolerated. This variant has not been reported in the literature in individuals affected with LITAF-related conditions. This variant is not present in population databases (gnomAD no frequency). This sequence change replaces asparagine, which is neutral and polar, with serine, which is neutral and polar, at codon 72 of the LITAF protein (p.Asn72Ser).

NM_001136472.2(LITAF):c.215A>G (p.Asn72Ser)

Gene: LITAF (lipopolysaccharide induced TNF factor; minus strand). Cytogenetic location: 16p13.13.
Variant type: single nucleotide variant.
Coding change: c.215A>G on transcript NM_001136472.2 (MANE Select); coding-DNA position 215, A replaced by G.
Protein change: p.Asn72Ser; replaces asparagine 72 with serine.
Molecular consequence: missense variant. On other transcripts: non-coding transcript variant (1).
Genome position (GRCh38, 1-based): chr16:11,556,516, T>C on the plus strand (A>G on the coding strand, the complement: LITAF is on the minus strand). VCF-style: chr16-11556516-T-C. GRCh37 (hg19) VCF-style: chr16-11650372-T-C.
Other names: c.215A>G, p.Asn72Ser (NM_001136473.1, NM_004862.4); short protein forms N72S.
Identifiers: ClinVar variation 2828654 (VCV002828654.3), dbSNP rs2064270922, ClinGen allele CA394767820.